The following is an entry in ClinVar:

ClinVar aggregate classification (germline): Likely benign. Review status: criteria provided, multiple submitters, no conflicts (2 of 4 stars). 5 submissions from 5 submitters: Likely benign (5). Last evaluated 2026-01-11.

Conditions:
Hereditary cancer-predisposing syndrome. Also called: Neoplastic Syndromes, Hereditary; Tumor predisposition; Hereditary neoplastic syndrome; Hereditary Cancer Syndrome. Identifiers: Orphanet 140162, MedGen C0027672, MeSH D009386, MONDO:0015356.
Cardiovascular phenotype. Identifiers: MedGen CN230736.

Allele frequency attached by ClinVar (database versions not stated): ExAC 0.00003; TOPMed 0.00003; gnomAD exomes 0.00004; gnomAD 0.00007.
gnomAD v4.1: 28 of 1,613,314 alleles (0.0017%); highest among the groups gnomAD compares: African/African-American, 0.0093%; no homozygotes.

Submissions (5):

Labcorp Genetics (formerly Invitae), Labcorp
Classification: Likely benign. Last evaluated: 2026-01-11. Review status: criteria provided, single submitter. Criteria: Invitae Variant Classification Sherloc (09022015). Collection method: clinical testing. Allele origin: germline.

CeGaT Center for Human Genetics Tuebingen
Classification: Likely benign. Last evaluated: 2025-08-01. Review status: criteria provided, single submitter. Criteria: CeGaT Center For Human Genetics Tuebingen Variant Classification Criteria Version 2. Collection method: clinical testing. Allele origin: germline. Affected: yes. Observed: 1 variant allele.
Comment: LZTR1: BP4, BP7

Blueprint Genetics
Classification: Likely benign. Last evaluated: 2024-04-05. Review status: criteria provided, single submitter. Criteria: ACMG Guidelines, 2015. Collection method: clinical testing. Allele origin: germline.

Ambry Genetics
Classification: Likely benign for Cardiovascular phenotype; Hereditary cancer-predisposing syndrome. Last evaluated: 2021-02-19. Review status: criteria provided, single submitter. Criteria: Ambry Variant Classification Scheme 2023. Collection method: clinical testing. Allele origin: germline.

Women's Health and Genetics/Laboratory Corporation of America, LabCorp
Classification: Likely benign. Last evaluated: 2020-01-11. Review status: criteria provided, single submitter. Criteria: LabCorp Variant Classification Summary - May 2015. Collection method: clinical testing. Allele origin: germline.

NM_006767.4(LZTR1):c.2499C>T (p.Cys833=)

Gene: LZTR1 (leucine zipper like post translational regulator 1; plus strand). Cytogenetic location: 22q11.21.
Variant type: single nucleotide variant.
Coding change: c.2499C>T on transcript NM_006767.4 (MANE Select); coding-DNA position 2499, C replaced by T.
Protein change: p.Cys833=; no amino-acid change (cysteine 833 retained).
Molecular consequence: synonymous variant.
Genome position (GRCh38, 1-based): chr22:20,997,324, C>T. VCF-style: chr22-20997324-C-T. GRCh37 (hg19) VCF-style: chr22-21351613-C-T.
Identifiers: ClinVar variation 917613 (VCV000917613.20), dbSNP rs746037698, ClinGen allele CA10119482.